The following is an entry in ClinVar:

ClinVar aggregate classification (germline): Conflicting classifications of pathogenicity. Review status: criteria provided, conflicting classifications (1 of 4 stars). 3 submissions from 3 submitters: Uncertain significance (2); Likely benign (1). Last evaluated 2023-01-25.

Conditions:
Inborn genetic diseases. Identifiers: MedGen C0950123, MeSH D030342.
Agammaglobulinemia 4, autosomal recessive (AGM4). Also called: AGAMMAGLOBULINEMIA, AUTOSOMAL RECESSIVE, DUE TO BLNK DEFECT; B cell linker protein deficiency. Identifiers: MedGen C3150752, MONDO:0013289, OMIM 613502.

Allele frequency attached by ClinVar (database versions not stated): ExAC 0.00001; gnomAD 0.00002; gnomAD exomes 0.00002 and 0.00003; TOPMed 0.00002.
gnomAD v4.1: 28 of 1,613,600 alleles (0.0017%); highest among the groups gnomAD compares: Non-Finnish European, 0.0024%; no homozygotes.

Submissions (3):

Blueprint Genetics
Classification: Likely benign. Last evaluated: 2023-01-25. Review status: criteria provided, single submitter. Criteria: ACMG Guidelines, 2015. Collection method: clinical testing. Allele origin: germline.

Ambry Genetics
Classification: Uncertain significance for Inborn genetic diseases. Last evaluated: 2022-12-01. Review status: criteria provided, single submitter. Criteria: Ambry Variant Classification Scheme 2023. Collection method: clinical testing. Allele origin: germline.

Labcorp Genetics (formerly Invitae), Labcorp
Classification: Uncertain significance for Agammaglobulinemia 4, autosomal recessive. Last evaluated: 2022-05-18. Review status: criteria provided, single submitter. Criteria: Invitae Variant Classification Sherloc (09022015). Collection method: clinical testing. Allele origin: germline.
Comment: In summary, the available evidence is currently insufficient to determine the role of this variant in disease. Therefore, it has been classified as a Variant of Uncertain Significance. Algorithms developed to predict the effect of missense changes on protein structure and function output the following: SIFT: "Tolerated"; PolyPhen-2: "Benign"; Align-GVGD: "Class C0". The asparagine amino acid residue is found in multiple mammalian species, which suggests that this missense change does not adversely affect protein function. This variant has not been reported in the literature in individuals affected with BLNK-related conditions. This variant is present in population databases (rs782445849, gnomAD 0.007%). This sequence change replaces serine, which is neutral and polar, with asparagine, which is neutral and polar, at codon 439 of the BLNK protein (p.Ser439Asn).

NM_013314.4(BLNK):c.1316G>A (p.Ser439Asn)

Genes: BLNK (B cell linker; minus strand), ZNF518A (zinc finger protein 518A; plus strand). Cytogenetic location: 10q24.1.
Variant type: single nucleotide variant.
Coding change: c.1316G>A on transcript NM_013314.4 (MANE Select); coding-DNA position 1316, G replaced by A.
Protein change: p.Ser439Asn; replaces serine 439 with asparagine.
Molecular consequence: missense variant. On other transcripts: non-coding transcript variant (4).
Genome position (GRCh38, 1-based): chr10:96,192,028, C>T on the plus strand (G>A on the coding strand, the complement: BLNK is on the minus strand). VCF-style: chr10-96192028-C-T. GRCh37 (hg19) VCF-style: chr10-97951784-C-T.
Other names: c.1316G>A (NM_013314.3); c.1247G>A, p.Ser416Asn (NM_001114094.2); c.1160G>A, p.Ser387Asn (NM_001258440.2); c.1091G>A, p.Ser364Asn (NM_001258441.2); c.845G>A, p.Ser282Asn (NM_001258442.2); short protein forms S282N, S416N, S364N, S387N, S439N.
Identifiers: ClinVar variation 1360979 (VCV001360979.6), dbSNP rs782445849, ClinGen allele CA5623129.